The following is an entry in ClinVar:

ClinVar aggregate classification (germline): Uncertain significance (1 of 4 stars; one submission).

Submission:

GeneDx
Classification: Uncertain significance. Last evaluated: 2025-03-18. Review status: criteria provided, single submitter. Criteria: GeneDx Variant Classification Process June 2021. Collection method: clinical testing. Allele origin: germline. Affected: yes.
Comment: Not observed at significant frequency in large population cohorts (gnomAD); In silico analysis supports that this missense variant has a deleterious effect on protein structure/function; Has not been previously published as pathogenic or benign to our knowledge

NM_001378328.1(CELSR1):c.8372C>T (p.Ser2791Phe)

Gene: CELSR1 (cadherin EGF LAG seven-pass G-type receptor 1; minus strand). Cytogenetic location: 22q13.31.
Variant type: single nucleotide variant.
Coding change: c.8372C>T on transcript NM_001378328.1 (MANE Select); coding-DNA position 8372, C replaced by T.
Protein change: p.Ser2791Phe; replaces serine 2791 with phenylalanine.
Molecular consequence: missense variant.
Genome position (GRCh38, 1-based): chr22:46,365,618, G>A on the plus strand (C>T on the coding strand, the complement: CELSR1 is on the minus strand). VCF-style: chr22-46365618-G-A. GRCh37 (hg19) VCF-style: chr22-46761515-G-A.
Other names: c.8372C>T, p.Ser2791Phe (NM_014246.4); short protein forms S2791F.
Identifiers: ClinVar variation 4086308 (VCV004086308.1).